The following is an entry in ClinVar:

GRCh38/hg38 15q15.3(chr15:43576373-43676005)x1

Genes: CATSPER2 (cation channel sperm associated 2; minus strand), CKMT1B (creatine kinase, mitochondrial 1B; plus strand), PPIP5K1 (diphosphoinositol pentakisphosphate kinase 1; minus strand), STRC (stereocilin; minus strand), LOC130056948 (ATAC-STARR-seq lymphoblastoid active region 9316; plus strand) and 1 more. Cytogenetic location: 15q15.3.
Variant type: copy number loss.
Change: copy number 1 (one copy instead of two) of chr15:43,576,373-43,676,005 (99.6 kb, GRCh38 coordinates, 1-based), cytogenetic band 15q15.3.
Identifiers: ClinVar variation 4796412 (VCV004796412.1).

ClinVar aggregate classification (germline): Uncertain significance (1 of 4 stars; one submission).

Submission:

Medical Genetic Center, Changzhi Maternal and Child Health Care Hospital
Classification: Uncertain significance. Last evaluated: 2025-12-10. Review status: criteria provided, single submitter. Criteria: ACMG/ClinGen CNV Guidelines, 2019. Collection method: clinical testing. Allele origin: unknown.
Comment: STRC deletion cariirer